The following is an entry in ClinVar:

ClinVar aggregate classification (germline): Pathogenic (1 of 4 stars; one submission).

Conditions:
Achromatopsia 3 (ACHM3). Also called: ACHROMATOPSIA WITH MYOPIA; TOTAL COLORBLINDNESS WITH MYOPIA; ROD MONOCHROMACY 1; ROD MONOCHROMATISM 1; PINGELAPESE BLINDNESS. Identifiers: Orphanet 49382, MedGen C1849792, MONDO:0009875, OMIM 262300.

Submission:

Myriad Genetics, Inc.
Classification: Pathogenic for Achromatopsia 3. Last evaluated: 2026-08-17. Review status: criteria provided, single submitter. Criteria: Myriad Autosomal Dominant, Autosomal Recessive and X-Linked Classification Criteria (2023). Collection method: clinical testing. Allele origin: unknown.
Comment: NM_019098.4(CNGB3):c.1734dupT(K579*) is a nonsense variant classified as pathogenic in the context of achromatopsia, CNGB3-related. K579* has not been observed in cases with relevant disease. Relevant functional assessments of this variant are not available in the literature. K579* has not been observed in referenced population frequency databases. In summary, NM_019098.4(CNGB3):c.1734dupT(K579*) is a nonsense variant in a gene where loss of function is a known mechanism of disease and is predicted to disrupt protein function. Please note: this variant was assessed in the context of healthy population screening.

NM_019098.5(CNGB3):c.1734dup (p.Lys579Ter)

Gene: CNGB3 (cyclic nucleotide gated channel subunit beta 3; minus strand). Cytogenetic location: 8q21.3.
Variant type: Duplication.
Coding change: c.1734dup on transcript NM_019098.5 (MANE Select); coding-DNA position 1734, one base duplicated (T; older notation c.1734dupT).
Protein change: p.Lys579Ter; replaces lysine 579 with a stop codon.
Molecular consequence: nonsense.
Genome position (GRCh38, 1-based): chr8:86,604,140, A duplicated on the plus strand (T on the coding strand, the reverse complement: CNGB3 is on the minus strand). VCF-style (leftmost placement, unchanged base first): chr8-86604139-T-TA. GRCh37 (hg19) VCF-style: chr8-87616367-T-TA.
Other names: short protein forms K579*.
Identifiers: ClinVar variation 5004842 (VCV005004842.1).
Genomic context (GRCh38, chr8:86,604,139, plus strand): 5'-TATCTTTCAGATACCTGATTTCTCCAAACACCGACCCAGCTTTCAGAGTAACCAGAACTT[T>TA]AGTACCATCAGGGCCTCCAAGAACTTGGACTTCTCCATGCTTGATGATATACATTTCCTT-3'